The following is an entry in ClinVar:

ClinVar aggregate classification (germline): Uncertain significance (1 of 4 stars; one submission).

Allele frequency attached by ClinVar (database versions not stated): gnomAD exomes 0.00001; ExAC 0.00002.
gnomAD v4.1: 10 of 1,613,980 alleles (0.00062%); highest among the groups gnomAD compares: Non-Finnish European, 0.00068%; no homozygotes.

Submission:

Labcorp Genetics (formerly Invitae), Labcorp
Classification: Uncertain significance. Last evaluated: 2020-08-25. Review status: criteria provided, single submitter. Criteria: Invitae Variant Classification Sherloc (09022015). Collection method: clinical testing. Allele origin: germline.
Comment: This variant has not been reported in the literature in individuals with MTOR-related conditions. This variant is present in population databases (rs749766561, ExAC 0.003%). This sequence change replaces threonine with methionine at codon 571 of the MTOR protein (p.Thr571Met). The threonine residue is highly conserved and there is a moderate physicochemical difference between threonine and methionine. Advanced modeling of protein sequence and biophysical properties (such as structural, functional, and spatial information, amino acid conservation, physicochemical variation, residue mobility, and thermodynamic stability) performed at Invitae indicates that this missense variant is not expected to disrupt MTOR protein function. In summary, the available evidence is currently insufficient to determine the role of this variant in disease. Therefore, it has been classified as a Variant of Uncertain Significance.

NM_004958.4(MTOR):c.1712C>T (p.Thr571Met)

Gene: MTOR (mechanistic target of rapamycin kinase; minus strand). Cytogenetic location: 1p36.22.
Variant type: single nucleotide variant.
Coding change: c.1712C>T on transcript NM_004958.4 (MANE Select); coding-DNA position 1712, C replaced by T.
Protein change: p.Thr571Met; replaces threonine 571 with methionine.
Molecular consequence: missense variant.
Genome position (GRCh38, 1-based): chr1:11,240,377, G>A on the plus strand (C>T on the coding strand, the complement: MTOR is on the minus strand). VCF-style: chr1-11240377-G-A. GRCh37 (hg19) VCF-style: chr1-11300434-G-A.
Other names: short protein forms T571M.
Identifiers: ClinVar variation 1020253 (VCV001020253.8), dbSNP rs749766561, ClinGen allele CA590661.